The following is an entry in ClinVar:

ClinVar aggregate classification (germline): Uncertain significance (1 of 4 stars; one submission).

gnomAD v4.1: 1 of 1,613,502 alleles (0.000062%); highest among the groups gnomAD compares: Non-Finnish European, 0.000085%; no homozygotes.

Submission:

Ambry Genetics
Classification: Uncertain significance. Last evaluated: 2024-04-06. Review status: criteria provided, single submitter. Criteria: Ambry Variant Classification Scheme 2023. Collection method: clinical testing. Allele origin: germline.
Comment: The p.E1283D variant (also known as c.3849G>C), located in coding exon 16 of the POLQ gene, results from a G to C substitution at nucleotide position 3849. The glutamic acid at codon 1283 is replaced by aspartic acid, an amino acid with highly similar properties. This amino acid position is conserved. In addition, this alteration is predicted to be tolerated by in silico analysis. Since supporting evidence is limited at this time, the clinical significance of this alteration remains unclear.

NM_199420.4(POLQ):c.3849G>C (p.Glu1283Asp)

Gene: POLQ (DNA polymerase theta; minus strand). Cytogenetic location: 3q13.33.
Variant type: single nucleotide variant.
Coding change: c.3849G>C on transcript NM_199420.4 (MANE Select); coding-DNA position 3849, G replaced by C.
Protein change: p.Glu1283Asp; replaces glutamic acid 1283 with aspartic acid.
Molecular consequence: missense variant.
Genome position (GRCh38, 1-based): chr3:121,489,082, C>G on the plus strand (G>C on the coding strand, the complement: POLQ is on the minus strand). VCF-style: chr3-121489082-C-G. GRCh37 (hg19) VCF-style: chr3-121207929-C-G.
Other names: short protein forms E1283D.
Identifiers: ClinVar variation 1735488 (VCV001735488.3), dbSNP rs1380393118, ClinGen allele CA354096925.